The following is an entry in ClinVar:

NM_000382.3(ALDH3A2):c.1297_1298del (p.Glu433fs)

Gene: ALDH3A2 (aldehyde dehydrogenase 3 family member A2; plus strand). Cytogenetic location: 17p11.2.
Variant type: Microsatellite.
Coding change: c.1297_1298del on transcript NM_000382.3 (MANE Select); coding-DNA positions 1297 to 1298, 2 bases deleted (GA; older notation c.1297_1298delGA).
Protein change: p.Glu433fs; shifts the reading frame from glutamic acid 433.
Molecular consequence: frameshift variant. On other transcripts: intron variant (1).
Genome position (GRCh38, 1-based): chr17:19,671,810-19,671,811, GA deleted; deleting any 2 consecutive bases within chr17:19,671,805-19,671,811 gives the same sequence; the c. name uses the placement nearest the transcript's 3' end. VCF-style (leftmost placement, unchanged base first): chr17-19671804-AAG-A. GRCh37 (hg19) VCF-style: chr17-19575117-AAG-A.
Other names: c.1297_1298del (NM_000382.2); c.1297_1298delGA (NM_000382.3); c.1297_1298del, p.Glu433fs (NM_001031806.2, NM_001369136.1, NM_001369137.2 and 2 more transcripts); c.718_719del, p.Glu240fs (NM_001369148.2); c.1208-3753AG[2] (NM_001369146.2); short protein forms E240fs, E433fs.
Identifiers: ClinVar variation 1641 (VCV000001641.31), dbSNP rs387906256, ClinGen allele CA115117.

ClinVar aggregate classification (germline): Pathogenic. Review status: criteria provided, multiple submitters, no conflicts (2 of 4 stars). 13 submissions from 13 submitters: Pathogenic (8). 5 of the submissions do not count toward it. Last evaluated 2026-01-11.

Conditions:
ALDH3A2-related disorder. Also called: ALDH3A2-related condition.
Sjögren-Larsson syndrome (SLS). Also called: ICHTHYOSIS, SPASTIC NEUROLOGIC DISORDER, AND OLIGOPHRENIA; FALDH DEFICIENCY; FATTY ALCOHOL:NAD+ OXIDOREDUCTASE DEFICIENCY; FATTY ALDEHYDE DEHYDROGENASE DEFICIENCY. Identifiers: Orphanet 816, MedGen C0037231, MONDO:0010031, OMIM 270200.

Submissions (13):

Labcorp Genetics (formerly Invitae), Labcorp
Classification: Pathogenic. Last evaluated: 2026-01-11. Review status: criteria provided, single submitter. Criteria: Invitae Variant Classification Sherloc (09022015). Collection method: clinical testing. Allele origin: germline.
Comment: This sequence change creates a premature translational stop signal (p.Glu433Argfs*3) in the ALDH3A2 gene. It is expected to result in an absent or disrupted protein product. Loss-of-function variants in ALDH3A2 are known to be pathogenic (PMID: 10577908, 10854114). This variant is present in population databases (rs756844187, gnomAD 0.008%). This premature translational stop signal has been observed in individual(s) with Sjogren-Larsson syndrome (SLS) (PMID: 9250352, 16996289, 20049467). It has also been observed to segregate with disease in related individuals. ClinVar contains an entry for this variant (Variation ID: 1641). Algorithms developed to predict the effect of sequence changes on RNA splicing suggest that this variant may disrupt the consensus splice site. For these reasons, this variant has been classified as Pathogenic.

Dasa
Classification: Pathogenic. Last evaluated: 2025-10-09. Review status: criteria provided, single submitter. Criteria: DASA Assertion Criteria. Collection method: clinical testing. Allele origin: germline.
Comment: NM_000382.3(ALDH3A2):c.1297_1298del (p.Glu433Argfs*3) is a frameshift variant in ALDH3A2 predicted to alter the reading frame and introduce a premature termination codon and is predicted to result in an absent or altered protein product. Loss of function is an established disease mechanism for ALDH3A2-associated disorders. This variant has been recurrently observed in individuals with ALDH3A2-related disorders (PMID: 9250352; PMID: 16837225). Functional evidence supports an impact on the gene or gene product (PMID: 9250352; PMID: 16837225). Also, this variant is rare in population databases. Based on the currently available evidence, this variant is classified as pathogenic.

Natera, Inc.
Classification: Pathogenic for Sjögren-Larsson syndrome. Last evaluated: 2025-08-17. Review status: criteria provided, single submitter. Criteria: Natera Variant Classification Schema (03/2026). Collection method: clinical testing. Allele origin: germline.
Comment: The c.1297_1298delGA variant in ALDH3A2 is a frameshift variant predicted to shift the reading frame beginning at codon 433 and leads to a stop codon 3 codons downstream. This variant is expected to result in nonsense mediated decay, truncation, or a dysfunctional protein product. This variant is rare in the general population with a frequency below the threshold expected for the associated phenotype(s). This variant has been observed in one or more individuals affected with the associated recessive disease, as either homozygous or compound heterozygous with a second variant (PMID: 11408337). Given the available evidence, this variant is classified as Pathogenic.

Revvity Omics, Revvity
Classification: Pathogenic for Sjögren-Larsson syndrome. Last evaluated: 2024-07-26. Review status: criteria provided, single submitter. Criteria: ACMG Guidelines, 2015. Collection method: clinical testing. Allele origin: germline.

Fulgent Genetics
Classification: Pathogenic for Sjögren-Larsson syndrome. Last evaluated: 2024-03-07. Review status: criteria provided, single submitter. Criteria: ACMG Guidelines, 2015. Collection method: clinical testing. Allele origin: germline.

Blueprint Genetics
Classification: Pathogenic for ALDH3A2-related disorders. Last evaluated: 2021-01-21. Review status: criteria provided, single submitter. Criteria: ACMG Guidelines, 2015. Collection method: clinical testing. Allele origin: germline. Affected: yes. Observed: 4 variant alleles.

GeneDx
Classification: Pathogenic. Last evaluated: 2019-01-15. Review status: criteria provided, single submitter. Criteria: GeneDx Variant Classification (06012015). Collection method: clinical testing. Allele origin: germline. Affected: yes.
Comment: The c.1297_1298delGA variant in the ALDH3A2 gene has been reported previously as the most common pathogenic variant observed among SjÃ¶gren-Larsson syndrome patients of European heritage (Tsukamoto et al., 1997; Ijlst et al., 1999; Rizzo et al., 2005). This variant causes a frameshift starting with codon Glutamic acid 433, changes this amino acid to an Arginine residue, and creates a premature Stop codon at position 3 of the new reading frame, denoted p.Glu433ArgfsX3. The c.1297_1298delGA variant is predicted to cause loss of normal protein function either through protein truncation or nonsense-mediated mRNA decay, and is associated with <1% residual enzyme activity (Rizzo et al., 2005). This variant is observed in 9/126,722 alleles (0.007%) from individuals of non-Finnish European background, with no homozygous control individuals reported, in large population cohorts (Lek et al., 2016). We interpret c.1297_1298delGA as a pathogenic variant.

Women's Health and Genetics/Laboratory Corporation of America, LabCorp
Classification: Pathogenic for SjÃ¶gren-Larsson syndrome. Last evaluated: 2018-10-11. Review status: criteria provided, single submitter. Criteria: LabCorp Variant Classification Summary - May 2015. Collection method: clinical testing. Allele origin: germline.
Comment: Variant summary: ALDH3A2 c.1297_1298delGA (p.Glu433ArgfsX3) results in a premature termination codon, predicted to cause a truncation of the encoded protein or absence of the protein due to nonsense mediated decay, which are commonly known mechanisms for disease. The variant allele was found at a frequency of 4.3e-05 in 277238 control chromosomes (gnomAD). c.1297_1298delGA has been reported in the literature in multiple individuals affected with Sjogren-Larsson Syndrome (Gloerich_2006, Rizzo_2010) and patients were found to have significantly reduced FADH activity (<10%; Gloerich_2006). These data indicate that the variant is very likely to be associated with disease. Two ClinVar submissions from clinical diagnostic laboratories (evaluation after 2014) cites the variant as likely pathogenic/pathogenic. Based on the evidence outlined above, the variant was classified as pathogenic.

Mayo Clinic Laboratories, Mayo Clinic
Classification: Likely pathogenic. Last evaluated: 2016-03-10. Review status: no assertion criteria provided. Collection method: clinical testing. Allele origin: unknown. Not counted in ClinVar's aggregate classification.

OMIM
Classification: Pathogenic for SJOGREN-LARSSON SYNDROME. Last evaluated: 1999-05-01. Review status: no assertion criteria provided. Collection method: literature only. Allele origin: germline. Not counted in ClinVar's aggregate classification.

Clinical Genetics DNA and cytogenetics Diagnostics Lab, Erasmus MC, Erasmus Medical Center
Classification: Likely pathogenic. Review status: no assertion criteria provided. Collection method: clinical testing. Allele origin: germline. Affected: yes. Study: VKGL Data-share Consensus. Not counted in ClinVar's aggregate classification.

Diagnostic Laboratory, Department of Genetics, University Medical Center Groningen
Classification: Pathogenic. Review status: no assertion criteria provided. Collection method: clinical testing. Allele origin: germline. Affected: yes. Study: VKGL Data-share Consensus. Not counted in ClinVar's aggregate classification.

Genome Diagnostics Laboratory, Amsterdam University Medical Center
Classification: Pathogenic. Review status: no assertion criteria provided. Collection method: clinical testing. Allele origin: germline. Affected: yes. Study: VKGL Data-share Consensus. Not counted in ClinVar's aggregate classification.

Literature cited by the submitters: PubMed 10577908 (cited by Labcorp Genetics (formerly Invitae), Labcorp); PubMed 10854114 (cited by Labcorp Genetics (formerly Invitae), Labcorp); PubMed 9250352 (cited by 3 submitters); PubMed 16996289 (cited by Labcorp Genetics (formerly Invitae), Labcorp); PubMed 20049467 (cited by Labcorp Genetics (formerly Invitae), Labcorp and Women's Health and Genetics/Laboratory Corporation of America, LabCorp); PubMed 16837225 (cited by Dasa and Women's Health and Genetics/Laboratory Corporation of America, LabCorp); PubMed 11408337 (cited by Natera, Inc.); PubMed 10384396 (cited by OMIM).